The following is an entry in ClinVar:

ClinVar aggregate classification (germline): Uncertain significance (1 of 4 stars; one submission).

Allele frequency attached by ClinVar (database versions not stated): gnomAD exomes below 0.00001; ExAC 0.00001.

Submission:

Labcorp Genetics (formerly Invitae), Labcorp
Classification: Uncertain significance. Last evaluated: 2022-11-07. Review status: criteria provided, single submitter. Criteria: Invitae Variant Classification Sherloc (09022015). Collection method: clinical testing. Allele origin: germline.
Comment: In summary, the available evidence is currently insufficient to determine the role of this variant in disease. Therefore, it has been classified as a Variant of Uncertain Significance. Advanced modeling of protein sequence and biophysical properties (such as structural, functional, and spatial information, amino acid conservation, physicochemical variation, residue mobility, and thermodynamic stability) performed at Invitae indicates that this missense variant is not expected to disrupt MYO7A protein function. This variant has not been reported in the literature in individuals affected with MYO7A-related conditions. This variant is present in population databases (rs753680538, gnomAD 0.006%). This sequence change replaces asparagine, which is neutral and polar, with serine, which is neutral and polar, at codon 2159 of the MYO7A protein (p.Asn2159Ser).

NM_000260.4(MYO7A):c.6476A>G (p.Asn2159Ser)

Gene: MYO7A (myosin VIIA; plus strand). Cytogenetic location: 11q13.5.
Variant type: single nucleotide variant.
Coding change: c.6476A>G on transcript NM_000260.4 (MANE Select); coding-DNA position 6476, A replaced by G.
Protein change: p.Asn2159Ser; replaces asparagine 2159 with serine.
Molecular consequence: missense variant.
Genome position (GRCh38, 1-based): chr11:77,213,897, A>G. VCF-style: chr11-77213897-A-G. GRCh37 (hg19) VCF-style: chr11-76924942-A-G.
Other names: c.6356A>G, p.Asn2119Ser (NM_001127180.2); c.6329A>G, p.Asn2110Ser (NM_001369365.1); short protein forms N2119S, N2110S, N2159S.
Identifiers: ClinVar variation 2796395 (VCV002796395.3), dbSNP rs753680538, ClinGen allele CA6199091.